The following is an entry in ClinVar:

NM_001128840.3(CACNA1D):c.6468dup (p.Cys2157fs)

Gene: CACNA1D (calcium voltage-gated channel subunit alpha1 D; plus strand). Cytogenetic location: 3p21.1.
Variant type: Duplication.
Coding change: c.6468dup on transcript NM_001128840.3 (MANE Select); coding-DNA position 6468, one base duplicated (A; older notation c.6468dupA).
Protein change: p.Cys2157fs; shifts the reading frame from cysteine 2157.
Molecular consequence: frameshift variant.
Genome position (GRCh38, 1-based): chr3:53,811,388, A duplicated. VCF-style (leftmost placement, unchanged base first): chr3-53811387-T-TA. GRCh37 (hg19) VCF-style: chr3-53845414-T-TA.
Other names: c.6528dup, p.Cys2177fs (NM_000720.4); c.6396dup, p.Cys2133fs (NM_001128839.3); short protein forms C2133fs, C2157fs, C2177fs.
Identifiers: ClinVar variation 3392691 (VCV003392691.2).
Genomic context (GRCh38, chr3:53,811,387, plus strand): 5'-GCTACAGCGACGAAGAGCCAGACCCTGGGAGGGATGAGGAGGACCTGGCGGATGAAATGA[T>TA]ATGCATCACCACCTTGTAGCCCCCAGCGAGGGGCAGACTGGCTCTGGCCTCAGGTGGGGC-3'

ClinVar aggregate classification (germline): Uncertain significance (1 of 4 stars; one submission).

Submission:

GeneDx
Classification: Uncertain significance. Last evaluated: 2025-02-04. Review status: criteria provided, single submitter. Criteria: GeneDx Variant Classification Process June 2021. Collection method: clinical testing. Allele origin: germline.
Comment: Not observed at significant frequency in large population cohorts (gnomAD); Frameshift variant predicted to result in abnormal protein length as the last 5 amino acids are replaced with 34 different amino acids; Has not been previously published as pathogenic or benign to our knowledge